The following is an entry in ClinVar:

ClinVar aggregate classification (germline): Uncertain significance (1 of 4 stars; one submission).

gnomAD v4.1: 1 of 1,202,918 alleles (0.000083%); highest among the groups gnomAD compares: Non-Finnish European, 0.00011%; no homozygotes.

Submission:

Ambry Genetics
Classification: Uncertain significance. Last evaluated: 2026-04-06. Review status: criteria provided, single submitter. Criteria: Ambry Variant Classification Scheme 2023. Collection method: clinical testing. Allele origin: germline.
Comment: The c.3301A>G (p.T1101A) alteration is located in exon 15 (coding exon 15) of the STARD8 gene. This alteration results from a A to G substitution at nucleotide position 3301, causing the threonine (T) at amino acid position 1101 to be replaced by an alanine (A). Based on data from gnomAD, the G allele has an overall frequency of <0.001% (0/162454) total alleles studied. The highest observed frequency was <0.001% (/) of alleles. Based on insufficient or conflicting evidence, the clinical significance of this alteration remains unclear.

NM_001142503.3(STARD8):c.3301A>G (p.Thr1101Ala)

Gene: STARD8 (StAR related lipid transfer domain containing 8; plus strand). Cytogenetic location: Xq13.1.
Variant type: single nucleotide variant.
Coding change: c.3301A>G on transcript NM_001142503.3 (MANE Select); coding-DNA position 3301, A replaced by G.
Protein change: p.Thr1101Ala; replaces threonine 1101 with alanine.
Molecular consequence: missense variant.
Genome position (GRCh38, 1-based): chrX:68,724,411, A>G. VCF-style: chrX-68724411-A-G. GRCh37 (hg19) VCF-style: chrX-67944253-A-G.
Other names: c.3061A>G, p.Thr1021Ala (NM_001142504.3, NM_014725.5); short protein forms T1021A, T1101A.
Identifiers: ClinVar variation 4865184 (VCV004865184.1).
Genomic context (GRCh38, chrX:68,724,411, plus strand): 5'-GCCATGGAAGTGGCAAAGATCCGGGACTCCTTCCCCACCCTGCAGGCAGCGGGCCCTGAG[A>G]CAAAGCTGTGAGCCTTGGGCTGGTCCCAGGGTGGCACCACCCAGGCCCCCTGGGCACCAA-3'
Protein context (NP_001135975.1, residues 1091-1103): FPTLQAAGPE[Thr1101Ala]KL